The following is an entry in ClinVar:

ClinVar aggregate classification (germline): Pathogenic (1 of 4 stars; one submission).

Conditions:
Juvenile polyposis syndrome (JPS). Identifiers: Orphanet 2929, MedGen C0345893, MONDO:0017380, OMIM 174900.

Submission:

Myriad Genetics, Inc.
Classification: Pathogenic for Juvenile polyposis syndrome. Last evaluated: 2023-05-05. Review status: criteria provided, single submitter. Criteria: Myriad Autosomal Dominant, Autosomal Recessive and X-Linked Classification Criteria (2023). Collection method: clinical testing. Allele origin: unknown.
Comment: This variant is considered pathogenic. This variant creates a frameshift predicted to result in premature protein truncation.

NM_004329.3(BMPR1A):c.674dup (p.Leu225fs)

Gene: BMPR1A (bone morphogenetic protein receptor type 1A; plus strand). Cytogenetic location: 10q23.2.
Variant type: Duplication.
Coding change: c.674dup on transcript NM_004329.3 (MANE Select); coding-DNA position 674, one base duplicated (T; older notation c.674dupT).
Protein change: p.Leu225fs; shifts the reading frame from leucine 225.
Molecular consequence: frameshift variant. On other transcripts: non-coding transcript variant (3), intron variant (1).
Genome position (GRCh38, 1-based): chr10:86,912,383, T duplicated; the last of 2 consecutive T bases (chr10:86,912,382-86,912,383); duplicating either gives the same sequence. VCF-style (leftmost placement, unchanged base first): chr10-86912381-A-AT. GRCh37 (hg19) VCF-style: chr10-88672138-A-AT.
Other names: c.674dup, p.Leu225fs (NM_001406577.1, NM_001406578.1, NM_001406579.1 and 20 more transcripts); c.749dup, p.Leu250fs (NM_001406559.1); c.722dup, p.Leu241fs (NM_001406560.1); c.590dup, p.Leu197fs (NM_001406584.1, NM_001406585.1, NM_001406586.1 and 2 more transcripts); c.334-4751dup (NM_001406589.1); short protein forms L197fs, L225fs, L241fs, L250fs.
Identifiers: ClinVar variation 2583813 (VCV002583813.2), dbSNP rs1564722014, ClinGen allele CA2582342708.